The following is an entry in ClinVar:

NM_000543.5(SMPD1):c.1341-1G>T

Gene: SMPD1 (sphingomyelin phosphodiesterase 1; plus strand). Cytogenetic location: 11p15.4.
Variant type: single nucleotide variant.
Coding change: c.1341-1G>T on transcript NM_000543.5 (MANE Select); the canonical splice acceptor site of the intron before coding-DNA position 1341, G replaced by T.
Molecular consequence: splice acceptor variant.
Genome position (GRCh38, 1-based): chr11:6,393,895, G>T. VCF-style: chr11-6393895-G-T. GRCh37 (hg19) VCF-style: chr11-6415125-G-T.
Other names: c.420-1G>T (NM_001318088.2); c.1209-1G>T (NM_001365135.2); c.1341-1G>T (NM_001318087.2); c.1338-1G>T (NM_001007593.3).
Identifiers: ClinVar variation 371672 (VCV000371672.5), dbSNP rs1057516854, ClinGen allele CA16041487.
Genomic context (GRCh38, chr11:6,393,895, plus strand): 5'-TCTCCCCAGATGTCTTCCTACCCCTCCCTAGAATCTTCTGAATGTAGTACCTTCTGGCCA[G>T]GTATGAGAACACCCTGGCTGCTCAGTTCTTTGGCCACACTCATGTGGATGAATTTGAGGT-3'

ClinVar aggregate classification (germline): Likely pathogenic. Review status: criteria provided, single submitter (1 of 4 stars). 2 submissions from 2 submitters: Likely pathogenic (1). 1 of the submissions does not count toward it. Last evaluated 2020-01-22.

Conditions:
Sphingomyelin/cholesterol lipidosis. Also called: Niemann-Pick disease. Identifiers: MedGen C0028064, MONDO:0001982.
Niemann-Pick disease, type A. Also called: SPHINGOMYELIN LIPIDOSIS; SPHINGOMYELINASE DEFICIENCY; Infantile Neurovisceral ASMD (Niemann-Pick Disease Type A; NPD-A). Identifiers: Orphanet 77292, MedGen C0268242, MONDO:0009756, OMIM 257200. Disease mechanism: loss of function.

Allele frequency attached by ClinVar (database versions not stated): gnomAD exomes below 0.00001.
gnomAD v4.1: 2 of 1,614,160 alleles (0.00012%); highest among the groups gnomAD compares: Non-Finnish European, 0.00017%; no homozygotes.

Submissions (2):

Broad Center for Mendelian Genomics, Broad Institute of MIT and Harvard
Classification: Likely pathogenic for Sphingomyelin/cholesterol lipidosis. Last evaluated: 2020-01-22. Review status: criteria provided, single submitter. Criteria: ACMG Guidelines, 2015. Collection method: curation. Allele origin: germline. Inheritance: Autosomal recessive inheritance.
Comment: The c.1341-1G>T variant in SMPD1 has not been previously reported in individuals with Niemann-Pick disease, but has been identified in 0.001% (1/113742) of European (non-Finnish) chromosomes by the Genome Aggregation Database (gnomAD; dbSNP rs1057516854). Although this variant has been seen in the general population, its frequency is low enough to be consistent with a recessive carrier frequency. This variant has also been reported in ClinVar (VariationID: 271672) as likely pathogenic for Niemann-Pick disease by Counsyl. This variant occurs in the invariant region (+/- 1/2) of the splice consensus sequence and is predicted to cause altered splicing leading to an abnormal or absent protein. Loss of function of the SMPD1 gene is an established disease mechanism in autosomal recessive Niemann-Pick disease. In summary, although additional studies are required to fully establish its clinical significance, this variant is likely pathogenic. ACMG/AMP Criteria applied: PVS1_strong, PM2 (Richards 2015).

Counsyl
Classification: Likely pathogenic for Niemann-Pick disease, type A. Last evaluated: 2016-11-14. Review status: no assertion criteria provided. Collection method: clinical testing. Allele origin: unknown. Not counted in ClinVar's aggregate classification.